The following is an entry in ClinVar:

ClinVar aggregate classification (germline): Likely benign (0 of 4 stars; one submission).

Conditions:
FZD6-related disorder. Also called: FZD6-related condition.

Allele frequency attached by ClinVar (database versions not stated): ESP Exome Variant Server 0.00023; gnomAD 0.00029; TOPMed 0.00031; gnomAD exomes 0.00044; ExAC 0.00051.
gnomAD v4.1: 676 of 1,545,210 alleles (0.044%); highest among the groups gnomAD compares: Middle Eastern, 0.084%; no homozygotes.

Submission:

PreventionGenetics, part of Exact Sciences
Classification: Likely benign for FZD6-related condition. Last evaluated: 2023-12-07. Review status: no assertion criteria provided. Collection method: clinical testing. Allele origin: germline.
Comment: This variant is classified as likely benign based on ACMG/AMP sequence variant interpretation guidelines (Richards et al. 2015 PMID: 25741868, with internal and published modifications).

NM_003506.4(FZD6):c.*24G>A

Gene: FZD6 (frizzled class receptor 6; plus strand). Cytogenetic location: 8q22.3.
Variant type: single nucleotide variant.
Coding change: c.*24G>A on transcript NM_003506.4 (MANE Select); 24 bases downstream of the stop codon, G replaced by A.
Molecular consequence: 3 prime UTR variant. On other transcripts: non-coding transcript variant (1).
Genome position (GRCh38, 1-based): chr8:103,331,533, G>A. VCF-style: chr8-103331533-G-A. GRCh37 (hg19) VCF-style: chr8-104343761-G-A.
Other names: c.*24G>A (NM_001164615.2, NM_001164616.2, NM_001317796.2).
Identifiers: ClinVar variation 3046347 (VCV003046347.2), dbSNP rs200403554, ClinGen allele CA4835096.